The following is an entry in ClinVar:

ClinVar aggregate classification (germline): Likely pathogenic (1 of 4 stars; one submission).

Submission:

GeneDx
Classification: Likely pathogenic. Last evaluated: 2024-11-13. Review status: criteria provided, single submitter. Criteria: GeneDx Variant Classification Process June 2021. Collection method: clinical testing. Allele origin: germline. Affected: yes.
Comment: Frameshift variant predicted to result in protein truncation or nonsense mediated decay in a gene for which loss of function is a known mechanism of disease; Not observed at significant frequency in large population cohorts (gnomAD); Has not been previously published as pathogenic or benign to our knowledge

NM_173560.4(RFX6):c.872dup (p.Leu291fs)

Gene: RFX6 (regulatory factor X6; plus strand). Cytogenetic location: 6q22.1.
Variant type: Duplication.
Coding change: c.872dup on transcript NM_173560.4 (MANE Select); coding-DNA position 872, one base duplicated (T; older notation c.872dupT).
Protein change: p.Leu291fs; shifts the reading frame from leucine 291.
Molecular consequence: frameshift variant.
Genome position (GRCh38, 1-based): chr6:116,916,214, T duplicated; the last of 6 consecutive T bases (chr6:116,916,209-116,916,214); duplicating any one gives the same sequence. VCF-style (leftmost placement, unchanged base first): chr6-116916208-A-AT. GRCh37 (hg19) VCF-style: chr6-117237371-A-AT.
Other names: short protein forms L291fs.
Identifiers: ClinVar variation 3899655 (VCV003899655.1).
Genomic context (GRCh38, chr6:116,916,208, plus strand): 5'-ATGAGTTCATGTTAAAGAAAAAAATCTTAACATACTTTTTACTCTGCAACTAGATCCAGC[A>AT]TTTTTTATTACACTTTTGGCAAGGAATGCCTGACCATCTCCTTCCCCTGCTCGAAAATCC-3'